The following is an entry in ClinVar:

ClinVar aggregate classification (germline): Likely benign (1 of 4 stars; one submission).

Submission:

CeGaT Center for Human Genetics Tuebingen
Classification: Likely benign. Last evaluated: 2023-05-01. Review status: criteria provided, single submitter. Criteria: CeGaT Center For Human Genetics Tuebingen Variant Classification Criteria Version 2. Collection method: clinical testing. Allele origin: germline. Affected: yes. Observed: 1 variant allele.
Comment: IYD: PM2:Supporting, BP4, BP7

NM_203395.3(IYD):c.123C>G (p.Arg41=)

Gene: IYD (iodotyrosine deiodinase; plus strand). Cytogenetic location: 6q25.1.
Variant type: single nucleotide variant.
Coding change: c.123C>G on transcript NM_203395.3 (MANE Select); coding-DNA position 123, C replaced by G.
Protein change: p.Arg41=; no amino-acid change (arginine 41 retained).
Molecular consequence: synonymous variant. On other transcripts: 5 prime UTR variant (1), non-coding transcript variant (1).
Genome position (GRCh38, 1-based): chr6:150,369,154, C>G. VCF-style: chr6-150369154-C-G. GRCh37 (hg19) VCF-style: chr6-150690290-C-G.
Other names: c.123C>G, p.Arg41= (NM_001164694.2, NM_001164695.2); c.-56C>G (NM_001318495.2).
Identifiers: ClinVar variation 2656994 (VCV002656994.24), dbSNP rs1777129637, ClinGen allele CA452559656.